The following is an entry in ClinVar:

NM_002972.4(SBF1):c.1192C>T (p.Arg398Cys)

Gene: SBF1 (SET binding factor 1; minus strand). Cytogenetic location: 22q13.33.
Variant type: single nucleotide variant.
Coding change: c.1192C>T on transcript NM_002972.4 (MANE Select); coding-DNA position 1192, C replaced by T.
Protein change: p.Arg398Cys; replaces arginine 398 with cysteine.
Molecular consequence: missense variant.
Genome position (GRCh38, 1-based): chr22:50,465,226, G>A on the plus strand (C>T on the coding strand, the complement: SBF1 is on the minus strand). VCF-style: chr22-50465226-G-A. GRCh37 (hg19) VCF-style: chr22-50903655-G-A.
Other names: c.1195C>T, p.Arg399Cys (NM_001365819.1); short protein forms R398C, R399C.
Identifiers: ClinVar variation 1309823 (VCV001309823.5), dbSNP rs368553565, ClinGen allele CA10317796.
Genomic context (GRCh38, chr22:50,465,226, plus strand): 5'-CCACCATGCGCTTATCTCCTACCCCACGCCCAGCCACCAGGCACCCCACCTTATGGAAGC[G>A]GATGACAGGCTCCGGGTGGATGCGCACGACGTGCAGGCACCAGCGATAGCCCTGCAGCAG-3'
Protein context (NP_002963.2, residues 388-408): VVRIHPEPVI[Arg398Cys]FHKAAFLGQR

ClinVar aggregate classification (germline): Uncertain significance. Review status: criteria provided, multiple submitters, no conflicts (2 of 4 stars). 2 submissions from 2 submitters: Uncertain significance (2). Last evaluated 2025-01-03.

Allele frequency attached by ClinVar (database versions not stated): gnomAD 0.00004 and 0.00005; TOPMed 0.00004; ESP Exome Variant Server 0.00008; gnomAD exomes 0.00012; 1000 Genomes Project 30x 0.00016; ExAC 0.00019; 1000 Genomes Project 0.00020.
gnomAD v4.1: 61 of 1,612,502 alleles (0.0038%); highest among the groups gnomAD compares: Admixed American, 0.042%; no homozygotes.

Submissions (2):

GeneDx
Classification: Uncertain significance. Last evaluated: 2025-01-03. Review status: criteria provided, single submitter. Criteria: GeneDx Variant Classification Process June 2021. Collection method: clinical testing. Allele origin: germline. Affected: yes.
Comment: Observed in a patient with hemolytic anemia; however, other variants in other genes were also detected (PMID: 32160409); In silico analysis supports that this missense variant has a deleterious effect on protein structure/function; This variant is associated with the following publications: (PMID: 32160409)

Ambry Genetics
Classification: Uncertain significance. Last evaluated: 2022-07-26. Review status: criteria provided, single submitter. Criteria: Ambry Variant Classification Scheme 2023. Collection method: clinical testing. Allele origin: germline.